The following is an entry in ClinVar:

ClinVar aggregate classification (germline): Pathogenic (1 of 4 stars; one submission).

Conditions:
Charcot-Marie-Tooth Neuropathy X. Identifiers: MedGen CN118851.

Submission:

Labcorp Genetics (formerly Invitae), Labcorp
Classification: Pathogenic for Charcot-Marie-Tooth Neuropathy X. Last evaluated: 2022-10-13. Review status: criteria provided, single submitter. Criteria: Invitae Variant Classification Sherloc (09022015). Collection method: clinical testing. Allele origin: germline.
Comment: For these reasons, this variant has been classified as Pathogenic. This sequence change creates a premature translational stop signal (p.Leu191*) in the PRPS1 gene. It is expected to result in an absent or disrupted protein product. Loss-of-function variants in PRPS1 are known to be pathogenic (PMID: 24528855). This variant is not present in population databases (gnomAD no frequency). This variant has not been reported in the literature in individuals affected with PRPS1-related conditions.

Literature cited by the submitters: PubMed 24528855.

NM_002764.4(PRPS1):c.570del (p.Ala190_Leu191insTer)

Gene: PRPS1 (phosphoribosyl pyrophosphate synthetase 1; plus strand). Cytogenetic location: Xq22.3.
Variant type: Deletion.
Coding change: c.570del on transcript NM_002764.4 (MANE Select); coding-DNA position 570, one base deleted (C; older notation c.570delC).
Protein change: p.Ala190_Leu191insTer.
Molecular consequence: frameshift variant. On other transcripts: 5 prime UTR variant (1).
Genome position (GRCh38, 1-based): chrX:107,645,216, C deleted; the last of 2 consecutive C bases (chrX:107,645,215-107,645,216); deleting either gives the same sequence. VCF-style (leftmost placement, unchanged base first): chrX-107645214-GC-G. GRCh37 (hg19) VCF-style: chrX-106888444-GC-G.
Other names: c.-43del (NM_001204402.2).
Identifiers: ClinVar variation 2122144 (VCV002122144.4), dbSNP rs2521345872, ClinGen allele CA2580100138.